The following is an entry in ClinVar:

ClinVar aggregate classification (germline): Uncertain significance (1 of 4 stars; one submission).

gnomAD v4.1: 11 of 1,612,358 alleles (0.00068%); highest among the groups gnomAD compares: South Asian, 0.0011%; no homozygotes.

Submission:

Labcorp Genetics (formerly Invitae), Labcorp
Classification: Uncertain significance. Last evaluated: 2025-07-15. Review status: criteria provided, single submitter. Criteria: Invitae Variant Classification Sherloc (09022015). Collection method: clinical testing. Allele origin: germline.
Comment: This sequence change replaces valine, which is neutral and non-polar, with isoleucine, which is neutral and non-polar, at codon 126 of the NRL protein (p.Val126Ile). The frequency data for this variant in the population databases is considered unreliable, as metrics indicate poor data quality at this position in the gnomAD database. This variant has not been reported in the literature in individuals affected with NRL-related conditions. An algorithm developed to predict the effect of missense changes on protein structure and function outputs the following: PolyPhen-2: "Benign". The isoleucine amino acid residue is found in multiple mammalian species, which suggests that this missense change does not adversely affect protein function. In summary, the available evidence is currently insufficient to determine the role of this variant in disease. Therefore, it has been classified as a Variant of Uncertain Significance.

NM_001354768.3(NRL):c.376G>A (p.Val126Ile)

Gene: NRL (neural retina leucine zipper; minus strand). Cytogenetic location: 14q11.2.
Variant type: single nucleotide variant.
Coding change: c.376G>A on transcript NM_001354768.3 (MANE Select); coding-DNA position 376, G replaced by A.
Protein change: p.Val126Ile; replaces valine 126 with isoleucine.
Molecular consequence: missense variant. On other transcripts: intron variant (1).
Genome position (GRCh38, 1-based): chr14:24,082,473, C>T on the plus strand (G>A on the coding strand, the complement: NRL is on the minus strand). VCF-style: chr14-24082473-C-T. GRCh37 (hg19) VCF-style: chr14-24551682-C-T.
Other names: c.376G>A, p.Val126Ile (NM_001354769.1, NM_006177.5); c.66+310G>A (NM_001354770.2); short protein forms V126I.
Identifiers: ClinVar variation 4697030 (VCV004697030.1).